The following is an entry in ClinVar:

NM_198578.4(LRRK2):c.152C>G (p.Ala51Gly)

Gene: LRRK2 (leucine rich repeat kinase 2; plus strand). Cytogenetic location: 12q12.
Variant type: single nucleotide variant.
Coding change: c.152C>G on transcript NM_198578.4 (MANE Select); coding-DNA position 152, C replaced by G.
Protein change: p.Ala51Gly; replaces alanine 51 with glycine.
Molecular consequence: missense variant.
Genome position (GRCh38, 1-based): chr12:40,225,555, C>G. VCF-style: chr12-40225555-C-G. GRCh37 (hg19) VCF-style: chr12-40619357-C-G.
Other names: short protein forms A51G.
Identifiers: ClinVar variation 3540604 (VCV003540604.1).
Genomic context (GRCh38, chr12:40,225,555, plus strand): 5'-AGGAGAGGGGGTGCTGTGGATTGTGACTTTGCTTCTTTTCCCCACCCACTTGTTTTCCAG[C>G]CTCCAAGTTATTTCAAGGCAAAAATATCCATGTGCCTCTGTTGATCGTCTTGGACTCCTA-3'
Protein context (NP_940980.4, residues 41-61): DLLVFTYSER[Ala51Gly]SKLFQGKNIH

ClinVar aggregate classification (germline): Uncertain significance (1 of 4 stars; one submission).

Conditions:
Inborn genetic diseases. Identifiers: MedGen C0950123, MeSH D030342.

Submission:

Ambry Genetics
Classification: Uncertain significance for Inborn genetic diseases. Last evaluated: 2024-08-04. Review status: criteria provided, single submitter. Criteria: Ambry Variant Classification Scheme 2023. Collection method: clinical testing. Allele origin: germline.
Comment: The p.A51G variant (also known as c.152C>G) is located in coding exon 2 of the LRRK2 gene. The alanine at codon 51 is replaced by glycine, an amino acid with similar properties. This change occurs in the first base pair of coding exon 2. This amino acid position is conserved. In addition, this alteration is predicted to be tolerated by in silico analysis. Based on the available evidence, the clinical significance of this variant remains unclear.